The following is an entry in ClinVar:

ClinVar aggregate classification (germline): Uncertain significance (1 of 4 stars; one submission).

Submission:

Labcorp Genetics (formerly Invitae), Labcorp
Classification: Uncertain significance. Last evaluated: 2024-11-26. Review status: criteria provided, single submitter. Criteria: Invitae Variant Classification Sherloc (09022015). Collection method: clinical testing. Allele origin: germline.
Comment: This sequence change falls in intron 13 of the POLE gene. It does not directly change the encoded amino acid sequence of the POLE protein. This variant is not present in population databases (gnomAD no frequency). This variant has not been reported in the literature in individuals affected with POLE-related conditions. Experimental studies and prediction algorithms are not available or were not evaluated, and the effect of this variant on mRNA splicing is currently unknown. In summary, the available evidence is currently insufficient to determine the role of this variant in disease. Therefore, it has been classified as a Variant of Uncertain Significance.

NM_006231.4(POLE):c.1359+93_1359+94insCATCCAGATGGCCACGGAGCAGCCCCAGGCATGTGAGCCACATCCCGGCTGCCCCTGCTGCCGTGTGCACA

Gene: POLE (DNA polymerase epsilon, catalytic subunit; minus strand). Cytogenetic location: 12q24.33.
Variant type: Insertion.
Coding change: c.1359+93_1359+94insCATCCAGATGGCCACGGAGCAGCCCCAGGCATGTGAGCCACATCCCGGCTGCCCCTGCTGCCGTGTGCACA on transcript NM_006231.4 (MANE Select); bases 93 to 94 of the intron after coding-DNA position 1359, CATCCAGATGGCCACGGAGCAGCCCCAGGCATGTGAGCCACATCCCGGCTGCCCCTGCTGCCGTGTGCACA inserted.
Molecular consequence: intron variant.
Genome position: GRCh38: chr12:132,673,531-132,673,532. GRCh37 (hg19): chr12:133,250,117-133,250,118.
Identifiers: ClinVar variation 3726080 (VCV003726080.2).